The following is an entry in ClinVar:

NM_000744.7(CHRNA4):c.591C>T (p.Arg197=)

Gene: CHRNA4 (cholinergic receptor nicotinic alpha 4 subunit; minus strand). Cytogenetic location: 20q13.33.
Variant type: single nucleotide variant.
Coding change: c.591C>T on transcript NM_000744.7 (MANE Select); coding-DNA position 591, C replaced by T.
Protein change: p.Arg197=; no amino-acid change (arginine 197 retained).
Molecular consequence: synonymous variant. On other transcripts: non-coding transcript variant (1).
Genome position (GRCh38, 1-based): chr20:63,350,820, G>A on the plus strand (C>T on the coding strand, the complement: CHRNA4 is on the minus strand). VCF-style: chr20-63350820-G-A. GRCh37 (hg19) VCF-style: chr20-61982172-G-A.
Other names: p.Arg197=; c.63C>T, p.Arg21= (NM_001256573.2).
Identifiers: ClinVar variation 377673 (VCV000377673.11), dbSNP rs776092779, ClinGen allele CA9957770.
Genomic context (GRCh38, chr20:63,350,820, plus strand): 5'-GGTGCCCACGGCATCCACGATGACCCACTCGCCACTCTCCCAGAAGTCCAGCTGGTCCAC[G>A]CGGCTGTGCATGTTCACCAGGTCGATCTTGGCCTTGTCGTAGGTCCAGGAGCCGAATTTC-3'
Protein context (NP_000735.1, residues 187-207): AKIDLVNMHS[Arg197=]VDQLDFWESG

ClinVar aggregate classification (germline): Likely benign. Review status: criteria provided, multiple submitters, no conflicts (2 of 4 stars). 3 submissions from 3 submitters: Likely benign (3). Last evaluated 2025-10-02.

Conditions:
Familial sleep-related hypermotor epilepsy. Also called: Autosomal Dominant Sleep-Related Hypermotor (Hyperkinetic) Epilepsy. Identifiers: Orphanet 98784, MedGen C3696898, MONDO:0000030.

Allele frequency attached by ClinVar (database versions not stated): ExAC 0.00002; gnomAD exomes 0.00003.
gnomAD v4.1: 10 of 1,613,960 alleles (0.00062%); highest among the groups gnomAD compares: Admixed American, 0.013%; no homozygotes.

Submissions (3):

Labcorp Genetics (formerly Invitae), Labcorp
Classification: Likely benign. Last evaluated: 2025-10-02. Review status: criteria provided, single submitter. Criteria: Invitae Variant Classification Sherloc (09022015). Collection method: clinical testing. Allele origin: germline.

Mayo Clinic Laboratories, Mayo Clinic
Classification: Likely benign. Last evaluated: 2025-06-05. Review status: criteria provided, single submitter. Criteria: ACMG Guidelines, 2015. Collection method: clinical testing. Allele origin: germline. Observed: 1 variant allele.
Comment: BP4, BP7

GeneDx
Classification: Likely benign. Last evaluated: 2015-11-18. Review status: criteria provided, single submitter. Criteria: GeneDx Variant Classification (06012015). Collection method: clinical testing. Allele origin: germline. Affected: yes.
Comment: This variant is considered likely benign or benign based on one or more of the following criteria: it is a conservative change, it occurs at a poorly conserved position in the protein, it is predicted to be benign by multiple in silico algorithms, and/or has population frequency not consistent with disease.